The following is an entry in ClinVar:

ClinVar aggregate classification (germline): Uncertain significance (1 of 4 stars; one submission).

Conditions:
Wilms tumor 1 (WT1). Also called: Wilms tumor, somatic. Identifiers: Orphanet 654, MedGen CN033288, MONDO:0008679, OMIM 194070.
11p partial monosomy syndrome (WAGR). Also called: WAGR Complex; WAGR syndrome; WAGR Spectrum Disorder; CHROMOSOME 11p13 DELETION SYNDROME. Identifiers: Orphanet 893, MedGen C0206115, MONDO:0008681, OMIM 194072.
Frasier syndrome. Identifiers: Orphanet 347, MedGen C0950122, MeSH D052159, MONDO:0007635, OMIM 136680.
Drash syndrome (DDS). Also called: WILMS TUMOR AND PSEUDO- OR TRUE HERMAPHRODITISM; NEPHROPATHY, WILMS TUMOR, AND GENITAL ANOMALIES. Identifiers: Orphanet 220, MedGen C0950121, MONDO:0008682, OMIM 194080.

Submission:

Labcorp Genetics (formerly Invitae), Labcorp
Classification: Uncertain significance for Wilms tumor 1; Drash syndrome; 11p partial monosomy syndrome; Frasier syndrome. Last evaluated: 2021-05-13. Review status: criteria provided, single submitter. Criteria: Invitae Variant Classification Sherloc (09022015). Collection method: clinical testing. Allele origin: germline.
Comment: In summary, the available evidence is currently insufficient to determine the role of this variant in disease. Therefore, it has been classified as a Variant of Uncertain Significance. Experimental studies and prediction algorithms are not available or were not evaluated, and the functional significance of this variant is currently unknown. This variant has not been reported in the literature in individuals with WT1-related conditions. The frequency data for this variant in the population databases is considered unreliable, as metrics indicate insufficient coverage at this position in the ExAC database. This variant, c.390_404del, results in the deletion of 5 amino acid(s) of the WT1 protein (p.Pro132_Pro136del), but otherwise preserves the integrity of the reading frame.

NM_024426.6(WT1):c.405_419del (p.Pro137_Pro141del)

Genes: WT1 (WT1 transcription factor; minus strand), LOC107982234 (WT1/WT1-AS bi-directional promoter region; plus strand). Cytogenetic location: 11p13.
Variant type: Deletion.
Coding change: c.405_419del on transcript NM_024426.6 (MANE Select); coding-DNA positions 405 to 419, 15 bases deleted (ACCCCCGCCGCCGCC).
Protein change: p.Pro137_Pro141del.
Molecular consequence: inframe deletion. On other transcripts: non-coding transcript variant (1).
Genome position (GRCh38, 1-based): chr11:32,434,942-32,434,956, GGCGGCGGCGGGGGT deleted on the plus strand (ACCCCCGCCGCCGCC on the coding strand, the reverse complement: WT1 is on the minus strand); deleting any 15 consecutive bases within chr11:32,434,942-32,434,964 gives the same sequence; the c. name uses the placement nearest the transcript's 3' end. VCF-style (leftmost placement, unchanged base first): chr11-32434941-CGGCGGCGGCGGGGGT-C. GRCh37 (hg19) VCF-style: chr11-32456487-CGGCGGCGGCGGGGGT-C.
Other names: c.405_419del, p.Pro137_Pro141del (NM_000378.6, NM_024424.5).
Identifiers: ClinVar variation 1348882 (VCV001348882.8), dbSNP rs2133103594, ClinGen allele CA2573146227.
Genomic context (GRCh38, chr11:32,434,941, plus strand): 5'-CTGCTCCTCGTGCGGCTCCGCGCCGCCCCAGCTCGGCTCCTGTTTGATGAAGGAGTGAGG[CGGCGGCGGCGGGGGT>C]GGCGGCGGAGCCGGTGGCGGCGCGGGGCCGCCCAACGACCCGTAAGCCGAAGCGCCCGGG-3'